The following is an entry in ClinVar:

ClinVar aggregate classification (germline): Benign/Likely benign. Review status: criteria provided, multiple submitters, no conflicts (2 of 4 stars). 4 submissions from 4 submitters: Benign (1); Likely benign (2). 1 of the submissions does not count toward it. Last evaluated 2026-01-31.

Conditions:
REST-related disorder. Also called: REST-related condition.

Allele frequency attached by ClinVar (database versions not stated): 1000 Genomes Project 30x 0.00109; 1000 Genomes Project 0.00120; ESP Exome Variant Server 0.00131; gnomAD 0.00166; TOPMed 0.00182.
gnomAD v4.1: 834 of 1,614,150 alleles (0.052%); highest among the groups gnomAD compares: African/African-American, 0.4%; 3 homozygotes.

Submissions (4):

Labcorp Genetics (formerly Invitae), Labcorp
Classification: Benign. Last evaluated: 2026-01-31. Review status: criteria provided, single submitter. Criteria: Invitae Variant Classification Sherloc (09022015). Collection method: clinical testing. Allele origin: germline.

CeGaT Center for Human Genetics Tuebingen
Classification: Likely benign. Last evaluated: 2024-11-01. Review status: criteria provided, single submitter. Criteria: CeGaT Center For Human Genetics Tuebingen Variant Classification Criteria Version 2. Collection method: clinical testing. Allele origin: germline. Affected: yes. Observed: 1 variant allele.
Comment: REST: BP4, BP7

Blueprint Genetics
Classification: Likely benign. Last evaluated: 2024-10-15. Review status: criteria provided, single submitter. Criteria: ACMG Guidelines, 2015. Collection method: clinical testing. Allele origin: germline.

PreventionGenetics, part of Exact Sciences
Classification: Benign for REST-related condition. Last evaluated: 2020-12-18. Review status: no assertion criteria provided. Collection method: clinical testing. Allele origin: germline. Not counted in ClinVar's aggregate classification.
Comment: This variant is classified as benign based on ACMG/AMP sequence variant interpretation guidelines (Richards et al. 2015 PMID: 25741868, with internal and published modifications).

NM_005612.5(REST):c.618A>C (p.Ala206=)

Gene: REST (RE1 silencing transcription factor; plus strand). Cytogenetic location: 4q12.
Variant type: single nucleotide variant.
Coding change: c.618A>C on transcript NM_005612.5 (MANE Select); coding-DNA position 618, A replaced by C.
Protein change: p.Ala206=; no amino-acid change (alanine 206 retained).
Molecular consequence: synonymous variant.
Genome position (GRCh38, 1-based): chr4:56,911,256, A>C. VCF-style: chr4-56911256-A-C. GRCh37 (hg19) VCF-style: chr4-57777422-A-C.
Other names: c.618A>C, p.Ala206= (NM_001193508.2, NM_001363453.3).
Identifiers: ClinVar variation 714477 (VCV000714477.27), dbSNP rs137961173, ClinGen allele CA2932132.
Genomic context (GRCh38, chr4:56,911,256, plus strand): 5'-TTTTGTGGAAGAGAGTGCAGAGAAGCAGGCAAAAGCCAGGGAATCTGGCTCTTCCACTGC[A>C]GAAGAGGGAGATTTCTCCAAGGGCCCCATTCGCTGTGACCGCTGCGGCTACAATACTAAT-3'
Protein context (NP_005603.3, residues 196-216): AKARESGSST[Ala206=]EEGDFSKGPI